The following is an entry in ClinVar:

ClinVar aggregate classification (germline): Pathogenic (1 of 4 stars; one submission).

Conditions:
Neurodevelopmental disorder with nonspecific brain abnormalities and with or without seizures. Identifiers: MedGen C5231470, MONDO:0032877, OMIM 618709.

Submission:

Neuberg Centre For Genomic Medicine, NCGM
Classification: Pathogenic for Neurodevelopmental disorder with nonspecific brain abnormalities and with or without seizures. Review status: criteria provided, single submitter. Criteria: ACMG Guidelines, 2015. Collection method: clinical testing. Allele origin: germline. Inheritance: Autosomal dominant inheritance. Affected: yes.
Comment: The stop gained p.C54* in DLL1 (NM_005618.4) has not been reported previously as a pathogenic variant nor as a benign variant, to our knowledge. The p.C54* variant is novel (not in any individuals) in gnomAD Exomes and is novel (not in any individuals) in 1000 Genomes. This variant is predicted to cause loss of normal protein function through protein truncation. There are 8 downstream pathogenic loss of function variants, with the furthest variant being 628 residues downstream of the variant p.C54*. For these reasons, this variant has been classified as Pathogenic.

NM_005618.4(DLL1):c.162C>A (p.Cys54Ter)

Gene: DLL1 (delta like canonical Notch ligand 1; minus strand). Cytogenetic location: 6q27.
Variant type: single nucleotide variant.
Coding change: c.162C>A on transcript NM_005618.4 (MANE Select); coding-DNA position 162, C replaced by A.
Protein change: p.Cys54Ter; replaces cysteine 54 with a stop codon.
Molecular consequence: nonsense.
Genome position (GRCh38, 1-based): chr6:170,289,701, G>T on the plus strand (C>A on the coding strand, the complement: DLL1 is on the minus strand). VCF-style: chr6-170289701-G-T. GRCh37 (hg19) VCF-style: chr6-170598789-G-T.
Other names: short protein forms C54*.
Identifiers: ClinVar variation 2627420 (VCV002627420.1), dbSNP rs2483363365, ClinGen allele CA366510207.